The following is an entry in ClinVar:

ClinVar aggregate classification (germline): Pathogenic (1 of 4 stars; one submission).

Submission:

Labcorp Genetics (formerly Invitae), Labcorp
Classification: Pathogenic. Last evaluated: 2025-11-10. Review status: criteria provided, single submitter. Criteria: Invitae Variant Classification Sherloc (09022015). Collection method: clinical testing. Allele origin: germline.
Comment: This sequence change affects the initiator codon of the ABCC8 mRNA. This change may impact translation initiation or efficiency. The next in-frame methionine is located at codon 80. This variant is not present in population databases (gnomAD no frequency). Disruption of the initiator codon has been observed in individual(s) with hyperinsulinism (PMID: 17378627). ClinVar contains an entry for this variant (Variation ID: 2826235). This variant disrupts a region of the ABCC8 protein in which other variant(s) (p.Val21Asp) have been determined to be pathogenic (PMID: 19475716, 20685672, 23345197, 27573238). This suggests that this is a clinically significant region of the protein, and that variants that disrupt it are likely to be disease-causing. For these reasons, this variant has been classified as Pathogenic.

Literature cited by the submitters: PubMed 17378627; PubMed 19475716; PubMed 20685672; PubMed 23345197; PubMed 27573238.

NM_000352.6(ABCC8):c.2T>C (p.Met1Thr)

Gene: ABCC8 (ATP binding cassette subfamily C member 8; minus strand). Cytogenetic location: 11p15.1.
Variant type: single nucleotide variant.
Coding change: c.2T>C on transcript NM_000352.6 (MANE Select); coding-DNA position 2, T replaced by C.
Protein change: p.Met1Thr; changes the start codon (methionine 1).
Molecular consequence: missense variant, initiator codon variant. On other transcripts: non-coding transcript variant (1).
Genome position (GRCh38, 1-based): chr11:17,476,775, A>G on the plus strand (T>C on the coding strand, the complement: ABCC8 is on the minus strand). VCF-style: chr11-17476775-A-G. GRCh37 (hg19) VCF-style: chr11-17498322-A-G.
Other names: c.2T>C, p.Met1Thr (NM_001287174.3, NM_001351295.2, NM_001351296.2 and 1 more transcripts); short protein forms M1T.
Identifiers: ClinVar variation 2826235 (VCV002826235.3), dbSNP rs2496931463, ClinGen allele CA379790501.